The following is an entry in ClinVar:

ClinVar aggregate classification (germline): Uncertain significance. Review status: criteria provided, multiple submitters, no conflicts (2 of 4 stars). 2 submissions from 2 submitters: Uncertain significance (2). Last evaluated 2025-07-02.

Conditions:
Inborn genetic diseases. Identifiers: MedGen C0950123, MeSH D030342.

Allele frequency attached by ClinVar (database versions not stated): gnomAD exomes 0.00005; ExAC 0.00014; ESP Exome Variant Server 0.00015; TOPMed 0.00017; gnomAD 0.00018; 1000 Genomes Project 0.00020; 1000 Genomes Project 30x 0.00031.

Submissions (2):

Labcorp Genetics (formerly Invitae), Labcorp
Classification: Uncertain significance. Last evaluated: 2025-07-02. Review status: criteria provided, single submitter. Criteria: Invitae Variant Classification Sherloc (09022015). Collection method: clinical testing. Allele origin: germline.
Comment: This sequence change replaces aspartic acid, which is acidic and polar, with asparagine, which is neutral and polar, at codon 398 of the TGM6 protein (p.Asp398Asn). This variant is present in population databases (rs142080899, gnomAD 0.05%), and has an allele count higher than expected for a pathogenic variant. This variant has not been reported in the literature in individuals affected with TGM6-related conditions. ClinVar contains an entry for this variant (Variation ID: 2361786). Invitae Evidence Modeling of protein sequence and biophysical properties (such as structural, functional, and spatial information, amino acid conservation, physicochemical variation, residue mobility, and thermodynamic stability) indicates that this missense variant is not expected to disrupt TGM6 protein function with a negative predictive value of 80%. In summary, the available evidence is currently insufficient to determine the role of this variant in disease. Therefore, it has been classified as a Variant of Uncertain Significance.

Ambry Genetics
Classification: Uncertain significance for Inborn genetic diseases. Last evaluated: 2022-05-04. Review status: criteria provided, single submitter. Criteria: Ambry Variant Classification Scheme 2023. Collection method: clinical testing. Allele origin: germline.

NM_198994.3(TGM6):c.1192G>A (p.Asp398Asn)

Gene: TGM6 (transglutaminase 6; plus strand). Cytogenetic location: 20p13.
Variant type: single nucleotide variant.
Coding change: c.1192G>A on transcript NM_198994.3 (MANE Select); coding-DNA position 1192, G replaced by A.
Protein change: p.Asp398Asn; replaces aspartic acid 398 with asparagine.
Molecular consequence: missense variant.
Genome position (GRCh38, 1-based): chr20:2,403,679, G>A. VCF-style: chr20-2403679-G-A. GRCh37 (hg19) VCF-style: chr20-2384325-G-A.
Other names: c.1192G>A, p.Asp398Asn (NM_001254734.2); c.1192G>A (NM_198994.2); short protein forms D398N.
Identifiers: ClinVar variation 2361786 (VCV002361786.8), dbSNP rs142080899, ClinGen allele CA9732008.
Genomic context (GRCh38, chr20:2,403,679, plus strand): 5'-CGCGAGGGTGATGTGCACCTGGCTCACGATGGCCCCTTCGTGTTTGCGGAGGTCAACGCC[G>A]ACTACATCACCTGGCTGTGGCACGAGGATGAGAGCCGGGAGCGTGTATACTCAAACACGA-3'
Protein context (NP_945345.2, residues 388-408): GPFVFAEVNA[Asp398Asn]YITWLWHEDE